The following is an entry in ClinVar:

ClinVar aggregate classification (germline): Uncertain significance. Review status: criteria provided, multiple submitters, no conflicts (2 of 4 stars). 4 submissions from 4 submitters: Uncertain significance (4). Last evaluated 2025-01-30.

Conditions:
Hereditary cancer-predisposing syndrome. Also called: Hereditary Cancer Syndrome; Tumor predisposition; Neoplastic Syndromes, Hereditary; Hereditary neoplastic syndrome. Identifiers: Orphanet 140162, MedGen C0027672, MeSH D009386, MONDO:0015356.
Cardiovascular phenotype. Identifiers: MedGen CN230736.

Allele frequency attached by ClinVar (database versions not stated): TOPMed below 0.00001.

Submissions (4):

Labcorp Genetics (formerly Invitae), Labcorp
Classification: Uncertain significance. Last evaluated: 2025-01-30. Review status: criteria provided, single submitter. Criteria: Invitae Variant Classification Sherloc (09022015). Collection method: clinical testing. Allele origin: germline.
Comment: This sequence change replaces phenylalanine, which is neutral and non-polar, with valine, which is neutral and non-polar, at codon 521 of the LZTR1 protein (p.Phe521Val). This variant is not present in population databases (gnomAD no frequency). This variant has not been reported in the literature in individuals affected with LZTR1-related conditions. ClinVar contains an entry for this variant (Variation ID: 1192248). Invitae Evidence Modeling of protein sequence and biophysical properties (such as structural, functional, and spatial information, amino acid conservation, physicochemical variation, residue mobility, and thermodynamic stability) indicates that this missense variant is not expected to disrupt LZTR1 protein function with a negative predictive value of 80%. In summary, the available evidence is currently insufficient to determine the role of this variant in disease. Therefore, it has been classified as a Variant of Uncertain Significance.

Ambry Genetics
Classification: Uncertain significance for Cardiovascular phenotype; Hereditary cancer-predisposing syndrome. Last evaluated: 2023-12-18. Review status: criteria provided, single submitter. Criteria: Ambry Variant Classification Scheme 2023. Collection method: clinical testing. Allele origin: germline.
Comment: The p.F521V variant (also known as c.1561T>G), located in coding exon 14 of the LZTR1 gene, results from a T to G substitution at nucleotide position 1561. The phenylalanine at codon 521 is replaced by valine, an amino acid with highly similar properties. This amino acid position is conserved. In addition, the in silico prediction for this alteration is inconclusive. Since supporting evidence is limited at this time, the clinical significance of this alteration remains unclear.

Blueprint Genetics
Classification: Uncertain significance. Last evaluated: 2023-03-09. Review status: criteria provided, single submitter. Criteria: ACMG Guidelines, 2015. Collection method: clinical testing. Allele origin: germline.

Women's Health and Genetics/Laboratory Corporation of America, LabCorp
Classification: Uncertain significance. Last evaluated: 2021-07-19. Review status: criteria provided, single submitter. Criteria: LabCorp Variant Classification Summary - May 2015. Collection method: clinical testing. Allele origin: germline.
Comment: Variant summary: LZTR1 c.1561T>G (p.Phe521Val) results in a non-conservative amino acid change located in the BTB/POZ domain (IPR000210) of the encoded protein sequence. Four of five in-silico tools predict a damaging effect of the variant on protein function. The variant was absent in 234026 control chromosomes. The available data on variant occurrences in the general population are insufficient to allow any conclusion about variant significance. To our knowledge, no occurrence of c.1561T>G in individuals affected with Noonan Syndrome and no experimental evidence demonstrating its impact on protein function have been reported. No clinical diagnostic laboratories have submitted clinical-significance assessments for this variant to ClinVar after 2014. Based on the evidence outlined above, the variant was classified as uncertain significance.

NM_006767.4(LZTR1):c.1561T>G (p.Phe521Val)

Gene: LZTR1 (leucine zipper like post translational regulator 1; plus strand). Cytogenetic location: 22q11.21.
Variant type: single nucleotide variant.
Coding change: c.1561T>G on transcript NM_006767.4 (MANE Select); coding-DNA position 1561, T replaced by G.
Protein change: p.Phe521Val; replaces phenylalanine 521 with valine.
Molecular consequence: missense variant.
Genome position (GRCh38, 1-based): chr22:20,994,215, T>G. VCF-style: chr22-20994215-T-G. GRCh37 (hg19) VCF-style: chr22-21348504-T-G.
Other names: short protein forms F521V.
Identifiers: ClinVar variation 1192248 (VCV001192248.6), dbSNP rs1924722057, ClinGen allele CA410775977.